The following is an entry in ClinVar:

ClinVar aggregate classification (germline): Uncertain significance (1 of 4 stars; one submission).

Conditions:
Frontotemporal dementia and/or amyotrophic lateral sclerosis 1 (FTDALS1). Also called: C9orf72 Frontotemporal Dementia and/or Amyotrophic Lateral Sclerosis; Frontotemporal dementia with motor neuron disease 1. Identifiers: Orphanet 275872, MedGen C5779877, MONDO:0007105, OMIM 105550.
Paget disease of bone 2, early-onset (PDB2). Also called: Paget disease of bone 2. Identifiers: MedGen C4085251, MONDO:0011183, OMIM 602080.

Submission:

Labcorp Genetics (formerly Invitae), Labcorp
Classification: Uncertain significance for Paget disease of bone 2, early-onset; Frontotemporal dementia and/or amyotrophic lateral sclerosis 1. Last evaluated: 2025-03-06. Review status: criteria provided, single submitter. Criteria: Invitae Variant Classification Sherloc (09022015). Collection method: clinical testing. Allele origin: germline.
Comment: This sequence change replaces serine, which is neutral and polar, with phenylalanine, which is neutral and non-polar, at codon 342 of the SQSTM1 protein (p.Ser342Phe). This variant is not present in population databases (gnomAD no frequency). This variant has not been reported in the literature in individuals affected with SQSTM1-related conditions. Invitae Evidence Modeling of protein sequence and biophysical properties (such as structural, functional, and spatial information, amino acid conservation, physicochemical variation, residue mobility, and thermodynamic stability) indicates that this missense variant is expected to disrupt SQSTM1 protein function with a positive predictive value of 80%. In summary, the available evidence is currently insufficient to determine the role of this variant in disease. Therefore, it has been classified as a Variant of Uncertain Significance.

NM_003900.5(SQSTM1):c.1025C>T (p.Ser342Phe)

Gene: SQSTM1 (sequestosome 1; plus strand). Cytogenetic location: 5q35.3.
Variant type: single nucleotide variant.
Coding change: c.1025C>T on transcript NM_003900.5 (MANE Select); coding-DNA position 1025, C replaced by T.
Protein change: p.Ser342Phe; replaces serine 342 with phenylalanine.
Molecular consequence: missense variant.
Genome position (GRCh38, 1-based): chr5:179,833,642, C>T. VCF-style: chr5-179833642-C-T. GRCh37 (hg19) VCF-style: chr5-179260642-C-T.
Other names: c.773C>T, p.Ser258Phe (NM_001142298.2, NM_001142299.2); short protein forms S258F, S342F.
Identifiers: ClinVar variation 4794821 (VCV004794821.1).
Genomic context (GRCh38, chr5:179,833,642, plus strand): 5'-TCCAGGAACAGATGGAGTCGGATAACTGTTCAGGAGGAGATGATGACTGGACCCATCTGT[C>T]TTCAAAAGAAGTGGACCCGTCTACAGGTGAACTCCAGTCCCTACAGATGCCAGAATCCGA-3'
Protein context (NP_003891.1, residues 332-352): SGGDDDWTHL[Ser342Phe]SKEVDPSTGE